The following is an entry in ClinVar:

ClinVar aggregate classification (germline): Benign. Review status: criteria provided, multiple submitters, no conflicts (2 of 4 stars). 2 submissions from 2 submitters: Benign (2). Last evaluated 2026-02-01.

Conditions:
Cone-rod dystrophy 7 (CORD7). Identifiers: Orphanet 1872, MedGen C1863634, MONDO:0011355, OMIM 603649.

Allele frequency attached by ClinVar (database versions not stated): ESP Exome Variant Server 0.00008; ExAC 0.00405; 1000 Genomes Project 0.00439; TOPMed 0.00326; gnomAD exomes 0.00117 and 0.00533; 1000 Genomes Project 30x 0.00453; gnomAD 0.00147 and 0.00159.

Submissions (2):

Labcorp Genetics (formerly Invitae), Labcorp
Classification: Benign. Last evaluated: 2026-02-01. Review status: criteria provided, single submitter. Criteria: Invitae Variant Classification Sherloc (09022015). Collection method: clinical testing. Allele origin: germline.

Illumina Laboratory Services, Illumina
Classification: Benign for Cone-rod dystrophy 7. Last evaluated: 2018-01-13. Review status: criteria provided, single submitter. Criteria: ICSL Variant Classification Criteria 13 December 2019. Collection method: clinical testing. Allele origin: germline.
Comment: This variant was observed in the ICSL laboratory as part of a predisposition screen in an ostensibly healthy population. It had not been previously curated by ICSL or reported in the Human Gene Mutation Database (HGMD: prior to June 1st, 2018), and was therefore a candidate for classification through an automated scoring system. Utilizing variant allele frequency, disease prevalence and penetrance estimates, and inheritance mode, an automated score was calculated to assess if this variant is too frequent to cause the disease. Based on the score and internal cut-off values, a variant classified as benign is not then subjected to further curation. The score for this variant resulted in a classification of benign for this disease.

NM_014989.7(RIMS1):c.594A>G (p.Thr198=)

Gene: RIMS1 (regulating synaptic membrane exocytosis 1; plus strand). Cytogenetic location: 6q13.
Variant type: single nucleotide variant.
Coding change: c.594A>G on transcript NM_014989.7 (MANE Select); coding-DNA position 594, A replaced by G.
Protein change: p.Thr198=; no amino-acid change (threonine 198 retained).
Molecular consequence: synonymous variant.
Genome position (GRCh38, 1-based): chr6:72,179,697, A>G. VCF-style: chr6-72179697-A-G. GRCh37 (hg19) VCF-style: chr6-72889400-A-G.
Identifiers: ClinVar variation 357831 (VCV000357831.15), dbSNP rs149442461, ClinGen allele CA3885552.